The following is an entry in ClinVar:

NM_000455.5(STK11):c.576C>G (p.Ile192Met)

Gene: STK11 (serine/threonine kinase 11; plus strand). Cytogenetic location: 19p13.3.
Variant type: single nucleotide variant.
Coding change: c.576C>G on transcript NM_000455.5 (MANE Select); coding-DNA position 576, C replaced by G.
Protein change: p.Ile192Met; replaces isoleucine 192 with methionine.
Molecular consequence: missense variant.
Genome position (GRCh38, 1-based): chr19:1,220,484, C>G. VCF-style: chr19-1220484-C-G. GRCh37 (hg19) VCF-style: chr19-1220483-C-G.
Other names: short protein forms I192M.
Identifiers: ClinVar variation 237804 (VCV000237804.8), dbSNP rs878853991, ClinGen allele CA10583787.
Genomic context (GRCh38, chr19:1,220,484, plus strand): 5'-TGTGCACAAGGACATCAAGCCGGGGAACCTGCTGCTCACCACCGGTGGCACCCTCAAAAT[C>G]TCCGACCTGGGCGTGGCCGAGGTAGGCACGTGCTAGGGGGGGCCCTGGGGCGCCCCCTCC-3'
Protein context (NP_000446.1, residues 182-202): LLLTTGGTLK[Ile192Met]SDLGVAEALH

ClinVar aggregate classification (germline): Uncertain significance (1 of 4 stars; one submission).

Conditions:
Peutz-Jeghers syndrome (PJS). Also called: POLYPOSIS, HAMARTOMATOUS INTESTINAL; POLYPS-AND-SPOTS SYNDROME; Peutz-Jeghers polyposis; Periorificial lentiginosis syndrome. Identifiers: Orphanet 2869, MedGen C0031269, MeSH D010580, MONDO:0008280, OMIM 175200.

Submission:

Labcorp Genetics (formerly Invitae), Labcorp
Classification: Uncertain significance for Peutz-Jeghers syndrome. Last evaluated: 2023-11-15. Review status: criteria provided, single submitter. Criteria: Invitae Variant Classification Sherloc (09022015). Collection method: clinical testing. Allele origin: germline.
Comment: This sequence change replaces isoleucine, which is neutral and non-polar, with methionine, which is neutral and non-polar, at codon 192 of the STK11 protein (p.Ile192Met). This variant is not present in population databases (gnomAD no frequency). This missense change has been observed in individual(s) with breast cancer (PMID: 30287823). ClinVar contains an entry for this variant (Variation ID: 237804). Advanced modeling of protein sequence and biophysical properties (such as structural, functional, and spatial information, amino acid conservation, physicochemical variation, residue mobility, and thermodynamic stability) performed at Invitae indicates that this missense variant is expected to disrupt STK11 protein function with a positive predictive value of 95%. In summary, the available evidence is currently insufficient to determine the role of this variant in disease. Therefore, it has been classified as a Variant of Uncertain Significance.

Literature cited by the submitters: PubMed 30287823.